The following is an entry in ClinVar:

NM_005918.4(MDH2):c.74C>A (p.Ala25Asp)

Gene: MDH2 (malate dehydrogenase 2; plus strand). Cytogenetic location: 7q11.23.
Variant type: single nucleotide variant.
Coding change: c.74C>A on transcript NM_005918.4 (MANE Select); coding-DNA position 74, C replaced by A.
Protein change: p.Ala25Asp; replaces alanine 25 with aspartic acid.
Molecular consequence: missense variant. On other transcripts: intron variant (1).
Genome position (GRCh38, 1-based): chr7:76,054,837, C>A. VCF-style: chr7-76054837-C-A. GRCh37 (hg19) VCF-style: chr7-75684155-C-A.
Other names: c.74C>A, p.Ala25Asp (NM_001282403.2); c.-86-2573C>A (NM_001282404.2); short protein forms A25D.
Identifiers: ClinVar variation 2625184 (VCV002625184.2), dbSNP rs1554585949, ClinGen allele CA367762021.
Genomic context (GRCh38, chr7:76,054,837, plus strand): 5'-TCCTTTTCATGCTCATTTCCTCCTAAGAGTCCTTTCTCTGTGCCTCTTTTTAGAACAATG[C>A]TAAAGTAGCTGTGCTAGGGGCCTCTGGAGGCATCGGGCAGCCACTTTCACTTCTCCTGAA-3'
Protein context (NP_005909.2, residues 15-35): RSFSTSAQNN[Ala25Asp]KVAVLGASGG

ClinVar aggregate classification (germline): Uncertain significance (1 of 4 stars; one submission).

Conditions:
Inborn genetic diseases. Identifiers: MedGen C0950123, MeSH D030342.

Allele frequency attached by ClinVar (database versions not stated): gnomAD exomes below 0.00001.
gnomAD v4.1: 2 of 1,613,944 alleles (0.00012%); highest among the groups gnomAD compares: South Asian, 0.0022%; no homozygotes.

Submission:

Ambry Genetics
Classification: Uncertain significance for Inborn genetic diseases. Last evaluated: 2023-06-17. Review status: criteria provided, single submitter. Criteria: Ambry Variant Classification Scheme 2023. Collection method: clinical testing. Allele origin: germline.
Comment: The p.A25D variant (also known as c.74C>A), located in coding exon 2 of the MDH2 gene, results from a C to A substitution at nucleotide position 74. The alanine at codon 25 is replaced by aspartic acid, an amino acid with dissimilar properties. This amino acid position is conserved. In addition, the in silico prediction for this alteration is inconclusive. Since supporting evidence is limited at this time, the clinical significance of this alteration remains unclear.